The following is an entry in ClinVar:

NM_006516.4(SLC2A1):c.856G>T (p.Gly286Cys)

Gene: SLC2A1 (solute carrier family 2 member 1; minus strand). Cytogenetic location: 1p34.2.
Variant type: single nucleotide variant.
Coding change: c.856G>T on transcript NM_006516.4 (MANE Select); coding-DNA position 856, G replaced by T.
Protein change: p.Gly286Cys; replaces glycine 286 with cysteine.
Molecular consequence: missense variant.
Genome position (GRCh38, 1-based): chr1:42,929,604, C>A on the plus strand (G>T on the coding strand, the complement: SLC2A1 is on the minus strand). VCF-style: chr1-42929604-C-A. GRCh37 (hg19) VCF-style: chr1-43395275-C-A.
Other names: short protein forms G286C.
Identifiers: ClinVar variation 3633550 (VCV003633550.2).

ClinVar aggregate classification (germline): Uncertain significance (1 of 4 stars; one submission).

Conditions:
GLUT1 deficiency syndrome 1, autosomal recessive. Identifiers: MedGen C3149117.

Submission:

Labcorp Genetics (formerly Invitae), Labcorp
Classification: Uncertain significance for GLUT1 deficiency syndrome 1, autosomal recessive. Last evaluated: 2024-02-02. Review status: criteria provided, single submitter. Criteria: Invitae Variant Classification Sherloc (09022015). Collection method: clinical testing. Allele origin: germline.
Comment: This sequence change replaces glycine, which is neutral and non-polar, with cysteine, which is neutral and slightly polar, at codon 286 of the SLC2A1 protein (p.Gly286Cys). This variant is not present in population databases (gnomAD no frequency). This variant has not been reported in the literature in individuals affected with SLC2A1-related conditions. Advanced modeling of protein sequence and biophysical properties (such as structural, functional, and spatial information, amino acid conservation, physicochemical variation, residue mobility, and thermodynamic stability) performed at Invitae indicates that this missense variant is expected to disrupt SLC2A1 protein function with a positive predictive value of 95%. In summary, the available evidence is currently insufficient to determine the role of this variant in disease. Therefore, it has been classified as a Variant of Uncertain Significance.